The following is an entry in ClinVar:

ClinVar aggregate classification (germline): Uncertain significance (1 of 4 stars; one submission).

Submission:

Ambry Genetics
Classification: Uncertain significance. Last evaluated: 2026-09-07. Review status: criteria provided, single submitter. Criteria: Ambry Variant Classification Scheme 2023. Collection method: clinical testing. Allele origin: germline.
Comment: The p.R139S variant (also known as c.417A>C), located in coding exon 1 of the MLH3 gene, results from an A to C substitution at nucleotide position 417. The arginine at codon 139 is replaced by serine, an amino acid with dissimilar properties. This amino acid position is conserved. In addition, this alteration is predicted to be deleterious by in silico analysis. Based on the available evidence, the clinical significance of this variant remains unclear.

NM_001040108.2(MLH3):c.417A>C (p.Arg139Ser)

Gene: MLH3 (mutL homolog 3; minus strand). Cytogenetic location: 14q24.3.
Variant type: single nucleotide variant.
Coding change: c.417A>C on transcript NM_001040108.2 (MANE Select); coding-DNA position 417, A replaced by C.
Protein change: p.Arg139Ser; replaces arginine 139 with serine.
Molecular consequence: missense variant.
Genome position (GRCh38, 1-based): chr14:75,049,239, T>G on the plus strand (A>C on the coding strand, the complement: MLH3 is on the minus strand). VCF-style: chr14-75049239-T-G. GRCh37 (hg19) VCF-style: chr14-75515942-T-G.
Other names: c.417A>C, p.Arg139Ser (NM_014381.3); short protein forms R139S.
Identifiers: ClinVar variation 5024648 (VCV005024648.1).